The following is an entry in ClinVar:

ClinVar aggregate classification (germline): Pathogenic (1 of 4 stars; one submission).

Allele frequency attached by ClinVar (database versions not stated): TOPMed 0.00001.

Submission:

Labcorp Genetics (formerly Invitae), Labcorp
Classification: Pathogenic. Last evaluated: 2025-03-13. Review status: criteria provided, single submitter. Criteria: Invitae Variant Classification Sherloc (09022015). Collection method: clinical testing. Allele origin: germline.
Comment: This sequence change creates a premature translational stop signal (p.Thr222*) in the ASAH1 gene. It is expected to result in an absent or disrupted protein product. Loss-of-function variants in ASAH1 are known to be pathogenic (PMID: 24164096, 24355074). This variant is not present in population databases (gnomAD no frequency). This variant has not been reported in the literature in individuals affected with ASAH1-related conditions. ClinVar contains an entry for this variant (Variation ID: 1956640). For these reasons, this variant has been classified as Pathogenic.

Literature cited by the submitters: PubMed 24164096; PubMed 24355074.

NM_177924.5(ASAH1):c.663_666del (p.Leu221_Thr222insTer)

Gene: ASAH1 (N-acylsphingosine amidohydrolase 1; minus strand). Cytogenetic location: 8p22.
Variant type: Deletion.
Coding change: c.663_666del on transcript NM_177924.5 (MANE Select); coding-DNA positions 663 to 666, 4 bases deleted (TACA; older notation c.663_666delTACA).
Protein change: p.Leu221_Thr222insTer.
Molecular consequence: frameshift variant.
Genome position (GRCh38, 1-based): chr8:18,061,723-18,061,726, TGTA deleted on the plus strand (TACA on the coding strand, the reverse complement: ASAH1 is on the minus strand). VCF-style (leftmost placement, unchanged base first): chr8-18061722-GTGTA-G. GRCh37 (hg19) VCF-style: chr8-17919231-GTGTA-G.
Other names: c.645_648del, p.Leu215_Thr216insTer (NM_001127505.3); c.468_471del, p.Leu156_Thr157insTer (NM_001363743.2); c.711_714del, p.Leu237_Thr238insTer (NM_004315.6).
Identifiers: ClinVar variation 1956640 (VCV001956640.5), dbSNP rs1375541295, ClinGen allele CA849394309.
Genomic context (GRCh38, chr8:18,061,722, plus strand): 5'-TTCACTTGAGAATGCTCTACTTACCCAGATAACCACCATTTATACTGAAACGTTCATTCA[GTGTA>G]AGACTGAACAGTCCCTGAGAAAAAGACAAAGCAACGAAGTCAGAAACATCAACCATGCGC-3'